The following is an entry in ClinVar:

NM_001378328.1(CELSR1):c.4447G>T (p.Gly1483Cys)

Gene: CELSR1 (cadherin EGF LAG seven-pass G-type receptor 1; minus strand). Cytogenetic location: 22q13.31.
Variant type: single nucleotide variant.
Coding change: c.4447G>T on transcript NM_001378328.1 (MANE Select); coding-DNA position 4447, G replaced by T.
Protein change: p.Gly1483Cys; replaces glycine 1483 with cysteine.
Molecular consequence: missense variant.
Genome position (GRCh38, 1-based): chr22:46,436,249, C>A on the plus strand (G>T on the coding strand, the complement: CELSR1 is on the minus strand). VCF-style: chr22-46436249-C-A. GRCh37 (hg19) VCF-style: chr22-46832146-C-A.
Other names: c.4447G>T, p.Gly1483Cys (NM_014246.4); short protein forms G1483C.
Identifiers: ClinVar variation 3368958 (VCV003368958.1).
Genomic context (GRCh38, chr22:46,436,249, plus strand): 5'-GCTGCACCTGCTCGTCCACGATCTCCAGGGCGATGAAGTCGTGCTTCTCATTGAAGCGGC[C>A]GTTGTAGAGAAGCAAGCCGTTCCTTTCCTGAGTGGCAAACCTGTGGGGCCAAGCAGAGGC-3'
Protein context (NP_001365257.1, residues 1473-1493): QERNGLLLYN[Gly1483Cys]RFNEKHDFIA

ClinVar aggregate classification (germline): Uncertain significance (1 of 4 stars; one submission).

gnomAD v4.1: 8 of 1,614,072 alleles (0.0005%); highest among the groups gnomAD compares: South Asian, 0.0011%; no homozygotes.

Submission:

GeneDx
Classification: Uncertain significance. Last evaluated: 2024-02-12. Review status: criteria provided, single submitter. Criteria: GeneDx Variant Classification Process June 2021. Collection method: clinical testing. Allele origin: germline. Affected: yes.
Comment: Not observed at significant frequency in large population cohorts (gnomAD); In silico analysis supports that this missense variant has a deleterious effect on protein structure/function; Has not been previously published as pathogenic or benign to our knowledge